The following is an entry in ClinVar:

ClinVar aggregate classification (germline): Uncertain significance. Review status: criteria provided, multiple submitters, no conflicts (2 of 4 stars). 4 submissions from 4 submitters: Uncertain significance (3). 1 of the submissions does not count toward it. Last evaluated 2026-08-10.

Conditions:
McKusick-Kaufman syndrome (MKKS). Also called: HYDROMETROCOLPOS SYNDROME; HYDROMETROCOLPOS, POSTAXIAL POLYDACTYLY, AND CONGENITAL HEART MALFORMATION. Identifiers: Orphanet 2473, MedGen C0948368, MONDO:0009367, OMIM 236700.
Bardet-Biedl syndrome (BBS). Identifiers: Orphanet 110, MedGen C0752166, MONDO:0015229.
MKKS-related disorder. Also called: MKKS-related disorders; MKKS-related condition.
Bardet-Biedl syndrome 6 (BBS6). Identifiers: Orphanet 110, MedGen C1858054, MONDO:0011523, OMIM 605231.

Allele frequency attached by ClinVar (database versions not stated): gnomAD 0.00001; TOPMed 0.00003.

Submissions (4):

PreventionGenetics, part of Exact Sciences
Classification: Uncertain significance for MKKS-related condition. Last evaluated: 2026-08-10. Review status: criteria provided, single submitter. Criteria: ACMG Guidelines, 2015. Collection method: clinical testing. Allele origin: germline.
Comment: The MKKS c.1127G>T variant is predicted to result in the amino acid substitution p.Cys376Phe. This variant has been reported in the heterozygous state in an individual with Leber congenital amaurosis; however, this individual also carried two nonsense variants in the CEP290 gene which could explain the clinical features (Table S3, Rachel et al. 2012. PubMed ID: 22446187). This variant has not been reported in a large population database, indicating this variant is rare (gnomAD). At this time, the clinical significance of this variant is uncertain due to the absence of conclusive functional and genetic evidence.

Fulgent Genetics
Classification: Uncertain significance for McKusick-Kaufman syndrome; Bardet-Biedl syndrome 6. Last evaluated: 2024-02-09. Review status: criteria provided, single submitter. Criteria: ACMG Guidelines, 2015. Collection method: clinical testing. Allele origin: germline.

Labcorp Genetics (formerly Invitae), Labcorp
Classification: Uncertain significance for McKusick-Kaufman syndrome; Bardet-Biedl syndrome. Last evaluated: 2022-06-27. Review status: criteria provided, single submitter. Criteria: Invitae Variant Classification Sherloc (09022015). Collection method: clinical testing. Allele origin: germline.
Comment: This sequence change replaces cysteine, which is neutral and slightly polar, with phenylalanine, which is neutral and non-polar, at codon 376 of the MKKS protein (p.Cys376Phe). This variant is not present in population databases (gnomAD no frequency). This variant has not been reported in the literature in individuals affected with MKKS-related conditions. ClinVar contains an entry for this variant (Variation ID: 591935). Algorithms developed to predict the effect of missense changes on protein structure and function (SIFT, PolyPhen-2, Align-GVGD) all suggest that this variant is likely to be disruptive. Algorithms developed to predict the effect of sequence changes on RNA splicing suggest that this variant may create or strengthen a splice site. In summary, the available evidence is currently insufficient to determine the role of this variant in disease. Therefore, it has been classified as a Variant of Uncertain Significance.

Gharavi Laboratory, Columbia University
Classification: Uncertain significance. Last evaluated: 2018-09-16. Review status: no assertion criteria provided. Criteria: ACMG Guidelines, 2015. Collection method: research. Allele origin: germline. Affected: yes. Not counted in ClinVar's aggregate classification.

NM_170784.3(MKKS):c.1127G>T (p.Cys376Phe)

Gene: MKKS (MKKS centrosomal shuttling protein; minus strand). Cytogenetic location: 20p12.2.
Variant type: single nucleotide variant.
Coding change: c.1127G>T on transcript NM_170784.3 (MANE Select); coding-DNA position 1127, G replaced by T.
Protein change: p.Cys376Phe; replaces cysteine 376 with phenylalanine.
Molecular consequence: missense variant. On other transcripts: non-coding transcript variant (1).
Genome position (GRCh38, 1-based): chr20:10,408,662, C>A on the plus strand (G>T on the coding strand, the complement: MKKS is on the minus strand). VCF-style: chr20-10408662-C-A. GRCh37 (hg19) VCF-style: chr20-10389310-C-A.
Other names: c.1127G>T, p.Cys376Phe (NM_018848.3); short protein forms C376F.
Identifiers: ClinVar variation 591935 (VCV000591935.10), dbSNP rs1029793006, ClinGen allele CA311320672.
Genomic context (GRCh38, chr20:10,408,662, plus strand): 5'-TATGGAATTCAAAGTTCATTACCTACCTTCAGCTCATCCCAGGCAGTGTCATTTCTGTTG[C>A]AGAGAAGCAAGCTGCAGATTGTTGCTTCATTAGGAATAAGATGAAAAAAATGTTTGGAGC-3'
Protein context (NP_740754.1, residues 366-386): NEATICSLLL[Cys376Phe]NRNDTAWDEL